The following is an entry in ClinVar:

ClinVar aggregate classification (germline): Uncertain significance. Review status: criteria provided, multiple submitters, no conflicts (2 of 4 stars). 10 submissions from 9 submitters: Uncertain significance (10). Last evaluated 2025-11-18.

Conditions:
Cardiovascular phenotype. Identifiers: MedGen CN230736.
Cardiomyopathy (CMYO). Also called: Cardiomyopathies. Identifiers: Orphanet 167848, MedGen C0878544, MONDO:0004994, HP:0001638. Inheritance: Various modes of inheritance.
Lethal congenital glycogen storage disease of heart. Also called: GLYCOGEN STORAGE DISEASE OF HEART; PHOSPHORYLASE KINASE DEFICIENCY OF HEART. Identifiers: Orphanet 439854, MedGen C1849813, MONDO:0009867, OMIM 261740.
Wolff-Parkinson-White pattern. Also called: WPW SYNDROME; Auriculoventricular accessory pathway syndrome; False bundle branch block syndrome; Anomalous ventricular excitation syndrome. Identifiers: MedGen C0043202, MONDO:0008685, OMIM 194200, HP:0001716.
Hypertrophic cardiomyopathy 6. Identifiers: MedGen C1833236, MONDO:0010946, OMIM 600858.
Congestive heart failure. Identifiers: MedGen C0018802, MONDO:0005009, HP:0001635.
Hypertrophic cardiomyopathy. Also called: HYPERTROPHIC MYOCARDIOPATHY. Identifiers: Orphanet 217569, MedGen C0007194, MeSH D002312, MONDO:0005045, HP:0001639.

Allele frequency attached by ClinVar (database versions not stated): ExAC 0.00002; gnomAD 0.00002; TOPMed 0.00002; gnomAD exomes 0.00003 and 0.00006; ESP Exome Variant Server 0.00015.
gnomAD v4.1: 88 of 1,613,988 alleles (0.0055%); highest among the groups gnomAD compares: Non-Finnish European, 0.0074%; no homozygotes.

Submissions (10):

Labcorp Genetics (formerly Invitae), Labcorp
Classification: Uncertain significance for Lethal congenital glycogen storage disease of heart. Last evaluated: 2025-11-18. Review status: criteria provided, single submitter. Criteria: Invitae Variant Classification Sherloc (09022015). Collection method: clinical testing. Allele origin: germline.
Comment: This sequence change replaces proline, which is neutral and non-polar, with leucine, which is neutral and non-polar, at codon 144 of the PRKAG2 protein (p.Pro144Leu). This variant is present in population databases (rs150140412, gnomAD 0.006%). This missense change has been observed in individual(s) with hypertrophic cardiomyopathy (PMID: 27532257). ClinVar contains an entry for this variant (Variation ID: 181485). Invitae Evidence Modeling of protein sequence and biophysical properties (such as structural, functional, and spatial information, amino acid conservation, physicochemical variation, residue mobility, and thermodynamic stability) indicates that this missense variant is not expected to disrupt PRKAG2 protein function with a negative predictive value of 95%. In summary, the available evidence is currently insufficient to determine the role of this variant in disease. Therefore, it has been classified as a Variant of Uncertain Significance.

Mayo Clinic Laboratories, Mayo Clinic
Classification: Uncertain significance. Last evaluated: 2025-01-08. Review status: criteria provided, single submitter. Criteria: ACMG Guidelines, 2015. Collection method: clinical testing. Allele origin: germline. Observed: 1 variant allele.

All of Us Research Program, National Institutes of Health
Classification: Uncertain significance for Hypertrophic cardiomyopathy. Last evaluated: 2024-08-01. Review status: criteria provided, single submitter. Criteria: ACMG Guidelines, 2015. Collection method: clinical testing. Allele origin: germline. Inheritance: Autosomal dominant inheritance. Observed: 8 variant alleles, 8 heterozygotes.
Comment: This missense variant replaces proline with leucine at codon 144 of the PRKAG2 protein. Computational prediction suggests that this variant may not impact protein structure and function (internally defined REVEL score threshold <= 0.5, PMID: 27666373). To our knowledge, functional studies have not been reported for this variant. This variant has been reported in individuals affected with hypertrophic cardiomyopathy (PMID: 27532257). This variant has been identified in 9/282668 chromosomes in the general population by the Genome Aggregation Database (gnomAD). The available evidence is insufficient to determine the role of this variant in disease conclusively. Therefore, this variant is classified as a Variant of Uncertain Significance.

This study involves interpretation of variants in research participants for the purpose of population health screening. Participant phenotype was not available at the time of variant classification. Additional details can be found in publication PMID: 35346344, PMCID: PMC8962531

Color Diagnostics, LLC DBA Color Health
Classification: Uncertain significance for Cardiomyopathy. Last evaluated: 2024-04-22. Review status: criteria provided, single submitter. Criteria: ACMG Guidelines, 2015. Collection method: clinical testing. Allele origin: germline.
Comment: This missense variant replaces proline with leucine at codon 144 of the PRKAG2 protein. Computational prediction tools indicate that this variant has a neutral impact on protein structure and function. To our knowledge, functional studies have not been reported for this variant. This variant has been reported in two individuals affected with hypertrophic cardiomyopathy (PMID: 27532257). This variant has been identified in 9/282668 chromosomes in the general population by the Genome Aggregation Database (gnomAD). The available evidence is insufficient to determine the role of this variant in disease conclusively. Therefore, this variant is classified as a Variant of Uncertain Significance.

Ambry Genetics
Classification: Uncertain significance for Cardiovascular phenotype. Last evaluated: 2021-04-30. Review status: criteria provided, single submitter. Criteria: Ambry Variant Classification Scheme 2023. Collection method: clinical testing. Allele origin: germline.
Comment: The p.P144L variant (also known as c.431C>T), located in coding exon 3 of the PRKAG2 gene, results from a C to T substitution at nucleotide position 431. The proline at codon 144 is replaced by leucine, an amino acid with similar properties. This alteration was identified in a hypertrophic cardiomyopathy (HCM) genetic testing cohort, but clinical details are limited (Walsh R et al. Genet Med, 2017 02;19:192-203). This amino acid position is well conserved in available vertebrate species. In addition, the in silico prediction for this alteration is inconclusive. Since supporting evidence is limited at this time, the clinical significance of this alteration remains unclear.

Laboratory for Molecular Medicine, Mass General Brigham Personalized Medicine
Classification: Uncertain significance. Last evaluated: 2018-03-22. Review status: criteria provided, single submitter. Criteria: LMM Criteria. Collection method: clinical testing. Allele origin: germline. Observed: 1 variant allele.
Comment: The p.Pro144Leu variant in PRKAG2 has been reported in 2 individuals with HCM (W alsh 2016). This variant has also been identified in 8/126690 of European chromo somes by the Genome Aggregation Database (gnomAD, rg; dbSNP rs150140412) and reported in ClinVar (Variation ID: 181485). Computati onal prediction tools and conservation analysis do not provide strong support fo r or against an impact to the protein. In summary, the clinical significance of the p.Pro144Leu variant is uncertain. ACMG/AMP Criteria applied: PS4_Supporting.

Center for Advanced Laboratory Medicine, UC San Diego Health, University of California San Diego
Classification: Uncertain significance for Congestive heart failure. Last evaluated: 2018-01-17. Review status: criteria provided, single submitter. Criteria: ACMG Guidelines, 2015. Collection method: clinical testing. Allele origin: germline. Affected: yes. Observed: 1 variant allele.

Illumina Laboratory Services, Illumina
Classification: Uncertain significance for Wolff-Parkinson-White pattern. Last evaluated: 2018-01-12. Review status: criteria provided, single submitter. Criteria: ICSL Variant Classification Criteria 13 December 2019. Collection method: clinical testing. Allele origin: germline.

Illumina Laboratory Services, Illumina
Classification: Uncertain significance for Hypertrophic cardiomyopathy 6. Last evaluated: 2018-01-12. Review status: criteria provided, single submitter. Criteria: ICSL Variant Classification Criteria 13 December 2019. Collection method: clinical testing. Allele origin: germline.

GeneDx
Classification: Uncertain significance. Last evaluated: 2017-03-06. Review status: criteria provided, single submitter. Criteria: GeneDx Variant Classification (06012015). Collection method: clinical testing. Allele origin: germline. Affected: yes.
Comment: A variant of uncertain significance has been identified in the PRKAG2 gene. The P144L variant has not been published as pathogenic or been reported as benign to our knowledge. The P144L variant is a semi-conservative amino acid substitution, which may impact secondary protein structure as these residues differ in some properties. This substitution occurs at a position that is conserved across species, and 2/3 in silico algorithms predict this variant is probably damaging to the protein structure/function. However, to our knowledge no studies have been performed to determine the functional effect of the P144L variant. Furthermore, the Exome Aggregation Consortium (ExAC) reports P144L was observed in 3/66,570 alleles from individuals of European (Non-Finnish) background (Lek et al., 2016).

Literature cited by the submitters: PubMed 27532257 (cited by 6 submitters).

NM_016203.4(PRKAG2):c.431C>T (p.Pro144Leu)

Gene: PRKAG2 (protein kinase AMP-activated non-catalytic subunit gamma 2; minus strand). Cytogenetic location: 7q36.1.
Variant type: single nucleotide variant.
Coding change: c.431C>T on transcript NM_016203.4 (MANE Select); coding-DNA position 431, C replaced by T.
Protein change: p.Pro144Leu; replaces proline 144 with leucine.
Molecular consequence: missense variant.
Genome position (GRCh38, 1-based): chr7:151,781,187, G>A on the plus strand (C>T on the coding strand, the complement: PRKAG2 is on the minus strand). VCF-style: chr7-151781187-G-A. GRCh37 (hg19) VCF-style: chr7-151478273-G-A.
Other names: p.P144L:CCC>CTC; c.299C>T, p.Pro100Leu (NM_001040633.2); short protein forms P144L, P100L.
Identifiers: ClinVar variation 181485 (VCV000181485.25), dbSNP rs150140412, ClinGen allele CA014220.